The following is an entry in ClinVar:

NM_016373.4(WWOX):c.1240G>A (p.Gly414Ser)

Genes: MAF (MAF bZIP transcription factor; minus strand), WWOX (WW domain containing oxidoreductase; plus strand). Cytogenetic location: 16q23.2.
Variant type: single nucleotide variant.
Coding change: c.1240G>A on transcript NM_016373.4 (MANE Select); coding-DNA position 1240, G replaced by A.
Protein change: p.Gly414Ser; replaces glycine 414 with serine.
Molecular consequence: missense variant.
Genome position (GRCh38, 1-based): chr16:79,211,791, G>A. VCF-style: chr16-79211791-G-A. GRCh37 (hg19) VCF-style: chr16-79245688-G-A.
Other names: c.901G>A, p.Gly301Ser (NM_001291997.2); short protein forms G414S, G301S.
Identifiers: ClinVar variation 449677 (VCV000449677.9), dbSNP rs201606637, ClinGen allele CA8183811.

ClinVar aggregate classification (germline): Conflicting classifications of pathogenicity. Review status: criteria provided, conflicting classifications (1 of 4 stars). 4 submissions from 4 submitters: Uncertain significance (3); Likely benign (1). Last evaluated 2024-11-26.

Conditions:
Developmental and epileptic encephalopathy, 1 (DEE1). Also called: Epileptic encephalopathy, early infantile, 1; X-linked infantile spasms; West's syndrome; Tonic spasms with clustering, arrest of psychomotor development and hypsarrhythmia on EEG; X-Linked Infantile Spasm Syndrome; INFANTILE SPASM SYNDROME, X-LINKED 1. Identifiers: MedGen C3463992, MONDO:0010632, OMIM 308350. Disease mechanism: loss of function.
Autosomal recessive spinocerebellar ataxia 12. Also called: SPINOCEREBELLAR ATAXIA WITH MENTAL RETARDATION AND EPILEPSY. Identifiers: Orphanet 284282, MedGen C3280452, MONDO:0013687, OMIM 614322.
Inborn genetic diseases. Identifiers: MedGen C0950123, MeSH D030342.

Allele frequency attached by ClinVar (database versions not stated): ExAC 0.00014; gnomAD exomes 0.00014; TOPMed 0.00029; gnomAD 0.00031 and 0.00036; 1000 Genomes Project 0.00040; ESP Exome Variant Server 0.00041; 1000 Genomes Project 30x 0.00047.
gnomAD v4.1: 161 of 1,614,050 alleles (0.01%); highest among the groups gnomAD compares: African/African-American, 0.085%; 1 homozygote.

Submissions (4):

Ambry Genetics
Classification: Likely benign for Inborn genetic diseases. Last evaluated: 2024-11-26. Review status: criteria provided, single submitter. Criteria: Ambry Variant Classification Scheme 2023. Collection method: clinical testing. Allele origin: germline.

Blueprint Genetics
Classification: Uncertain significance. Last evaluated: 2024-09-11. Review status: criteria provided, single submitter. Criteria: ACMG Guidelines, 2015. Collection method: clinical testing. Allele origin: germline.

GeneDx
Classification: Uncertain significance. Last evaluated: 2023-05-07. Review status: criteria provided, single submitter. Criteria: GeneDx Variant Classification Process June 2021. Collection method: clinical testing. Allele origin: germline. Affected: yes.
Comment: In silico analysis supports that this missense variant does not alter protein structure/function; Has not been previously published as pathogenic or benign to our knowledge; This variant is associated with the following publications: (PMID: 23685560)

Labcorp Genetics (formerly Invitae), Labcorp
Classification: Uncertain significance for Developmental and epileptic encephalopathy, 1; Autosomal recessive spinocerebellar ataxia 12. Last evaluated: 2022-09-07. Review status: criteria provided, single submitter. Criteria: Invitae Variant Classification Sherloc (09022015). Collection method: clinical testing. Allele origin: germline.
Comment: This sequence change replaces glycine with serine at codon 414 of the WWOX protein (p.Gly414Ser). The glycine residue is weakly conserved and there is a small physicochemical difference between glycine and serine. This variant is present in population databases (rs201606637, gnomAD 0.08%). This variant has not been reported in the literature in individuals affected with WWOX-related conditions. ClinVar contains an entry for this variant (Variation ID: 449677). Algorithms developed to predict the effect of missense changes on protein structure and function output the following: SIFT: "Not Available"; PolyPhen-2: "Possibly Damaging"; Align-GVGD: "Not Available". The serine amino acid residue is found in multiple mammalian species, which suggests that this missense change does not adversely affect protein function. In summary, the available evidence is currently insufficient to determine the role of this variant in disease. Therefore, it has been classified as a Variant of Uncertain Significance.